The following is an entry in ClinVar:

NM_014516.4(CNOT3):c.549_569del (p.Glu184_Leu190del)

Gene: CNOT3 (CCR4-NOT transcription complex subunit 3; plus strand). Cytogenetic location: 19q13.42.
Variant type: Deletion.
Coding change: c.549_569del on transcript NM_014516.4 (MANE Select); coding-DNA positions 549 to 569, 21 bases deleted (AGAGACCATCCTGCGCATGCT).
Protein change: p.Glu184_Leu190del.
Molecular consequence: inframe deletion. On other transcripts: initiator codon variant (2), non-coding transcript variant (2).
Genome position (GRCh38, 1-based): chr19:54,145,663-54,145,683, AGAGACCATCCTGCGCATGCT deleted; deleting any 21 consecutive bases within chr19:54,145,653-54,145,683 gives the same sequence; the c. name uses the placement nearest the transcript's 3' end. VCF-style (leftmost placement, unchanged base first): chr19-54145652-GTGCGCATGCTAGAGACCATCC-G. GRCh37 (hg19) VCF-style: chr19-54649388-GTGCGCATGCTAGAGACCATCC-G.
Other names: c.552_572del, p.Glu185_Leu191del (NM_001440653.1, NM_001440655.1, NM_001440657.1 and 3 more transcripts); c.549_569del, p.Glu184_Leu190del (NM_001440654.1, NM_001440656.1, NM_001440658.1 and 1 more transcripts); c.6_26del, p.Glu3_Leu9del (NM_001440659.1, NM_001440660.1).
Identifiers: ClinVar variation 5003169 (VCV005003169.1).

ClinVar aggregate classification (germline): Uncertain significance (1 of 4 stars; one submission).

Conditions:
Intellectual developmental disorder with speech delay, autism, and dysmorphic facies. Identifiers: MedGen C5231456, MONDO:0032864, OMIM 618672.

Submission:

OLLIN Analises Genomicas, OLLIN
Classification: Uncertain significance for Intellectual developmental disorder with speech delay, autism, and dysmorphic facies. Last evaluated: 2026-08-06. Review status: criteria provided, single submitter. Criteria: ACMG Guidelines 2015 PMID 25741868. Collection method: clinical testing. Allele origin: germline. Inheritance: Autosomal dominant inheritance.
Comment: This in-frame deletion, located in exon 8 (of 18), is absent from gnomAD and ClinVar and has not been identified in the literature. This variant removes 7 amino acids, preserving the reading frame and leading to a reduced protein length. According to the currently available evidence, this variant has been classified as uncertain significance (PM2_P, PM4).